The following is an entry in ClinVar:

ClinVar aggregate classification (germline): Uncertain significance. Review status: criteria provided, multiple submitters, no conflicts (2 of 4 stars). 2 submissions from 2 submitters: Uncertain significance (2). Last evaluated 2025-10-19.

Conditions:
Hereditary nonpolyposis colorectal neoplasms. Identifiers: MedGen C0009405, MeSH D003123.

Submissions (2):

Labcorp Genetics (formerly Invitae), Labcorp
Classification: Uncertain significance for Hereditary nonpolyposis colorectal neoplasms. Last evaluated: 2025-10-19. Review status: criteria provided, single submitter. Criteria: Invitae Variant Classification Sherloc (09022015). Collection method: clinical testing. Allele origin: germline.
Comment: This sequence change replaces proline, which is neutral and non-polar, with arginine, which is basic and polar, at codon 42 of the MSH6 protein (p.Pro42Arg). This variant is not present in population databases (gnomAD no frequency). This variant has not been reported in the literature in individuals affected with MSH6-related conditions. ClinVar contains an entry for this variant (Variation ID: 1014618). Invitae Evidence Modeling of protein sequence and biophysical properties (such as structural, functional, and spatial information, amino acid conservation, physicochemical variation, residue mobility, and thermodynamic stability) indicates that this missense variant is not expected to disrupt MSH6 protein function with a negative predictive value of 95%. In summary, the available evidence is currently insufficient to determine the role of this variant in disease. Therefore, it has been classified as a Variant of Uncertain Significance.

GeneDx
Classification: Uncertain significance. Last evaluated: 2023-07-26. Review status: criteria provided, single submitter. Criteria: GeneDx Variant Classification Process June 2021. Collection method: clinical testing. Allele origin: germline. Affected: yes.
Comment: Not observed at significant frequency in large population cohorts (gnomAD); In silico analysis supports that this missense variant does not alter protein structure/function; Has not been previously published as pathogenic or benign to our knowledge

NM_000179.3(MSH6):c.125C>G (p.Pro42Arg)

Gene: MSH6 (mutS homolog 6; plus strand). Cytogenetic location: 2p16.3.
Variant type: single nucleotide variant.
Coding change: c.125C>G on transcript NM_000179.3 (MANE Select); coding-DNA position 125, C replaced by G.
Protein change: p.Pro42Arg; replaces proline 42 with arginine.
Molecular consequence: missense variant. On other transcripts: 5 prime UTR variant (1).
Genome position (GRCh38, 1-based): chr2:47,783,358, C>G. VCF-style: chr2-47783358-C-G. GRCh37 (hg19) VCF-style: chr2-48010497-C-G.
Other names: c.125C>G, p.Pro42Arg (NM_001281492.2); c.-612C>G (NM_001281493.2); short protein forms P42R.
Identifiers: ClinVar variation 1014618 (VCV001014618.11), dbSNP rs1553408229, ClinGen allele CA346734879.